The following is an entry in ClinVar:

ClinVar aggregate classification (germline): Uncertain significance (1 of 4 stars; one submission).

Submission:

Labcorp Genetics (formerly Invitae), Labcorp
Classification: Uncertain significance. Last evaluated: 2022-11-01. Review status: criteria provided, single submitter. Criteria: Invitae Variant Classification Sherloc (09022015). Collection method: clinical testing. Allele origin: germline.
Comment: This sequence change replaces glutamic acid, which is acidic and polar, with lysine, which is basic and polar, at codon 256 of the DLL1 protein (p.Glu256Lys). In summary, the available evidence is currently insufficient to determine the role of this variant in disease. Therefore, it has been classified as a Variant of Uncertain Significance. Algorithms developed to predict the effect of missense changes on protein structure and function (SIFT, PolyPhen-2, Align-GVGD) all suggest that this variant is likely to be tolerated. This variant has not been reported in the literature in individuals affected with DLL1-related conditions. This variant is not present in population databases (gnomAD no frequency).

NM_005618.4(DLL1):c.766G>A (p.Glu256Lys)

Gene: DLL1 (delta like canonical Notch ligand 1; minus strand). Cytogenetic location: 6q27.
Variant type: single nucleotide variant.
Coding change: c.766G>A on transcript NM_005618.4 (MANE Select); coding-DNA position 766, G replaced by A.
Protein change: p.Glu256Lys; replaces glutamic acid 256 with lysine.
Molecular consequence: missense variant.
Genome position (GRCh38, 1-based): chr6:170,285,665, C>T on the plus strand (G>A on the coding strand, the complement: DLL1 is on the minus strand). VCF-style: chr6-170285665-C-T. GRCh37 (hg19) VCF-style: chr6-170594753-C-T.
Other names: short protein forms E256K.
Identifiers: ClinVar variation 2910206 (VCV002910206.3), dbSNP rs1191762345, ClinGen allele CA366508803.